The following is an entry in ClinVar:

ClinVar aggregate classification (germline): Conflicting classifications of pathogenicity. Review status: criteria provided, conflicting classifications (1 of 4 stars). 4 submissions from 4 submitters: Uncertain significance (2); Likely benign (2). Last evaluated 2023-12-05.

Conditions:
Familial thoracic aortic aneurysm and aortic dissection (TAAD). Also called: Thoracic aortic aneurysms and dissections. Identifiers: Orphanet 91387, MedGen C4707243, MONDO:0019625.
Ehlers-Danlos syndrome, type 4 (EDSVASC). Also called: Ehlers-Danlos syndrome vascular type; Ehlers Danlos syndrome, ecchymotic type; Ehlers Danlos syndrome, arterial type; Ehlers Danlos syndrome, Sack-Barabas type; Ehlers-Danlos Syndrome Type IV. Identifiers: Orphanet 286, MedGen C0268338, MONDO:0017314, OMIM 130050.

Allele frequency attached by ClinVar (database versions not stated): TOPMed below 0.00001; gnomAD 0.00001.
gnomAD v4.1: 1 of 1,614,056 alleles (0.000062%); highest among the groups gnomAD compares: Non-Finnish European, 0.000085%; no homozygotes.

Submissions (4):

Color Diagnostics, LLC DBA Color Health
Classification: Likely benign for Familial thoracic aortic aneurysm and aortic dissection. Last evaluated: 2023-12-05. Review status: criteria provided, single submitter. Criteria: ACMG Guidelines, 2015. Collection method: clinical testing. Allele origin: germline.

All of Us Research Program, National Institutes of Health
Classification: Uncertain significance for Ehlers-Danlos syndrome, type 4. Last evaluated: 2023-08-28. Review status: criteria provided, single submitter. Criteria: ACMG Guidelines, 2015. Collection method: clinical testing. Allele origin: germline. Inheritance: Autosomal dominant inheritance. Observed: 2 variant alleles, 2 heterozygotes.
Comment: This synonymous variant is predicted to activate a cryptic splice donor site within exon 19 of the COL3A1 gene. To our knowledge, RNA studies have not been reported for this variant. This variant has not been reported in individuals affected with COL3A1-related disorders in the literature. This variant has not been identified in the general population by the Genome Aggregation Database (gnomAD). The available evidence is insufficient to determine the role of this variant in disease conclusively. Therefore, this variant is classified as a Variant of Uncertain Significance.

This study involves interpretation of variants in research participants for the purpose of population health screening. Participant phenotype was not available at the time of variant classification. Additional details can be found in publication PMID: 35346344, PMCID: PMC8962531

Labcorp Genetics (formerly Invitae), Labcorp
Classification: Likely benign for Ehlers-Danlos syndrome, type 4. Last evaluated: 2022-10-05. Review status: criteria provided, single submitter. Criteria: Invitae Variant Classification Sherloc (09022015). Collection method: clinical testing. Allele origin: germline.

GeneDx
Classification: Uncertain significance. Last evaluated: 2017-03-27. Review status: criteria provided, single submitter. Criteria: GeneDx Variant Classification (06012015). Collection method: clinical testing. Allele origin: germline. Affected: yes.
Comment: The R446R (c.1338 T>A) variant has not been published as pathogenic or been reported as benign to our knowledge. It is not observed in large population cohorts (Lek et al., 2016; 1000 Genomes Consortium et al., 2015; Exome Variant Server). The R446R (c.1338 T>A) variant occurs at a nucleotide position that is not conserved across species. However, two of three splice algorithms predict the creation of a significantly strong cryptic splice donor site upstream of the canonical splice donor site of exon 19, which may result in aberrant gene splicing. Moreover, other exonic splice site variants in the COL3A1 gene have been reported in HGMD in association with vascular Ehlers-Danlos syndrome (vEDS, EDS type IV) (Stenson et al., 2014). Nonetheless, in the absence of functional mRNA studies, the physiological consequence of this variant cannot be precisely determined.

NM_000090.4(COL3A1):c.1338T>A (p.Arg446=)

Gene: COL3A1 (collagen type III alpha 1 chain; plus strand). Cytogenetic location: 2q32.2.
Variant type: single nucleotide variant.
Coding change: c.1338T>A on transcript NM_000090.4 (MANE Select); coding-DNA position 1338, T replaced by A.
Protein change: p.Arg446=; no amino-acid change (arginine 446 retained).
Molecular consequence: synonymous variant.
Genome position (GRCh38, 1-based): chr2:188,994,585, T>A. VCF-style: chr2-188994585-T-A. GRCh37 (hg19) VCF-style: chr2-189859311-T-A.
Identifiers: ClinVar variation 449900 (VCV000449900.9), dbSNP rs1553507953, ClinGen allele CA430309546.